The following is an entry in ClinVar:

ClinVar aggregate classification (germline): Uncertain significance (1 of 4 stars; one submission).

Conditions:
Familial hemiplegic migraine. Identifiers: MedGen C0338484, MONDO:0000700.

Submission:

Labcorp Genetics (formerly Invitae), Labcorp
Classification: Uncertain significance for Familial hemiplegic migraine. Last evaluated: 2025-04-05. Review status: criteria provided, single submitter. Criteria: Invitae Variant Classification Sherloc (09022015). Collection method: clinical testing. Allele origin: germline.
Comment: This sequence change replaces glutamic acid, which is acidic and polar, with lysine, which is basic and polar, at codon 1015 of the ATP1A2 protein (p.Glu1015Lys). This variant is not present in population databases (gnomAD no frequency). This variant has not been reported in the literature in individuals affected with ATP1A2-related conditions. ClinVar contains an entry for this variant (Variation ID: 2752190). Invitae Evidence Modeling of protein sequence and biophysical properties (such as structural, functional, and spatial information, amino acid conservation, physicochemical variation, residue mobility, and thermodynamic stability) has been performed for this missense variant. However, the output from this modeling did not meet the statistical confidence thresholds required to predict the impact of this variant on ATP1A2 protein function. In summary, the available evidence is currently insufficient to determine the role of this variant in disease. Therefore, it has been classified as a Variant of Uncertain Significance.

NM_000702.4(ATP1A2):c.3043G>A (p.Glu1015Lys)

Gene: ATP1A2 (ATPase Na+/K+ transporting subunit alpha 2; plus strand). Cytogenetic location: 1q23.2.
Variant type: single nucleotide variant.
Coding change: c.3043G>A on transcript NM_000702.4 (MANE Select); coding-DNA position 3043, G replaced by A.
Protein change: p.Glu1015Lys; replaces glutamic acid 1015 with lysine.
Molecular consequence: missense variant.
Genome position (GRCh38, 1-based): chr1:160,141,302, G>A. VCF-style: chr1-160141302-G-A. GRCh37 (hg19) VCF-style: chr1-160111092-G-A.
Other names: short protein forms E1015K.
Identifiers: ClinVar variation 2752190 (VCV002752190.3), dbSNP rs2524903048, ClinGen allele CA343257219.